The following is an entry in ClinVar:

NM_000054.7(AVPR2):c.659del (p.Gly220fs)

Gene: AVPR2 (arginine vasopressin receptor 2; plus strand). Cytogenetic location: Xq28.
Variant type: Deletion.
Coding change: c.659del on transcript NM_000054.7 (MANE Select); coding-DNA position 659, one base deleted (G; older notation c.659delG).
Protein change: p.Gly220fs; shifts the reading frame from glycine 220.
Molecular consequence: frameshift variant. On other transcripts: non-coding transcript variant (1).
Genome position (GRCh38, 1-based): chrX:153,906,165, G deleted; the last of 3 consecutive G bases (chrX:153,906,163-153,906,165); deleting any one gives the same sequence. VCF-style (leftmost placement, unchanged base first): chrX-153906162-TG-T. GRCh37 (hg19) VCF-style: chrX-153171616-TG-T.
Other names: p.Gly220Valfs*51; c.659del, p.Gly220fs (NM_001146151.3); short protein forms G220fs.
Identifiers: ClinVar variation 3380936 (VCV003380936.2).
Genomic context (GRCh38, chrX:153,906,162, plus strand): 5'-CCTGGGGCCGTCGCACCTATGTCACCTGGATTGCCCTGATGGTGTTCGTGGCACCTACCC[TG>T]GGTATCGCCGCCTGCCAGGTGCTCATCTTCCGGGAGATTCATGCCAGTCTGGTGCCAGGG-3'

ClinVar aggregate classification (germline): Likely pathogenic (1 of 4 stars; one submission).

Submission:

Mayo Clinic Laboratories, Mayo Clinic
Classification: Likely pathogenic. Last evaluated: 2025-03-11. Review status: criteria provided, single submitter. Criteria: ACMG Guidelines, 2015. Collection method: clinical testing. Allele origin: germline. Observed: 1 variant allele.
Comment: PM2_supporting, PVS1